The following is an entry in ClinVar:

NM_080927.4(DCBLD2):c.1162G>A (p.Asp388Asn)

Gene: DCBLD2 (discoidin, CUB and LCCL domain containing 2; minus strand). Cytogenetic location: 3q12.1.
Variant type: single nucleotide variant.
Coding change: c.1162G>A on transcript NM_080927.4 (MANE Select); coding-DNA position 1162, G replaced by A.
Protein change: p.Asp388Asn; replaces aspartic acid 388 with asparagine.
Molecular consequence: missense variant.
Genome position (GRCh38, 1-based): chr3:98,817,819, C>T on the plus strand (G>A on the coding strand, the complement: DCBLD2 is on the minus strand). VCF-style: chr3-98817819-C-T. GRCh37 (hg19) VCF-style: chr3-98536663-C-T.
Other names: short protein forms D388N.
Identifiers: ClinVar variation 3038512 (VCV003038512.2), dbSNP rs149988957, ClinGen allele CA2512424.
Genomic context (GRCh38, chr3:98,817,819, plus strand): 5'-ATCATTTTACCTTATCTTGCTCCACACCAGGCTCTCTGTACACAGTCCATTTCTGCCCAT[C>T]ATCACTGTACAGGATTCTGTAGGCAGACACATAGTAATTGTGCTCCACCATGGTGGATCC-3'
Protein context (NP_563615.3, residues 378-398): VSAYRILYSD[Asp388Asn]GQKWTVYREP

ClinVar aggregate classification (germline): Likely benign (0 of 4 stars; one submission).

Conditions:
DCBLD2-related disorder. Also called: DCBLD2-related condition.

Allele frequency attached by ClinVar (database versions not stated): ESP Exome Variant Server 0.00099; 1000 Genomes Project 30x 0.00125; TOPMed 0.00131; gnomAD 0.00143; ExAC 0.00150; 1000 Genomes Project 0.00160.
gnomAD v4.1: 2,084 of 1,613,708 alleles (0.13%); highest among the groups gnomAD compares: Admixed American, 0.21%; 3 homozygotes.

Submission:

PreventionGenetics, part of Exact Sciences
Classification: Likely benign for DCBLD2-related condition. Last evaluated: 2023-01-03. Review status: no assertion criteria provided. Collection method: clinical testing. Allele origin: germline.
Comment: This variant is classified as likely benign based on ACMG/AMP sequence variant interpretation guidelines (Richards et al. 2015 PMID: 25741868, with internal and published modifications).